The following is an entry in ClinVar:

ClinVar aggregate classification (germline): Uncertain significance (1 of 4 stars; one submission).

gnomAD v4.1: 5 of 1,613,544 alleles (0.00031%); highest among the groups gnomAD compares: Non-Finnish European, 0.00042%; no homozygotes.

Submission:

Labcorp Genetics (formerly Invitae), Labcorp
Classification: Uncertain significance. Last evaluated: 2024-10-30. Review status: criteria provided, single submitter. Criteria: Invitae Variant Classification Sherloc (09022015). Collection method: clinical testing. Allele origin: germline.
Comment: This sequence change replaces leucine, which is neutral and non-polar, with proline, which is neutral and non-polar, at codon 1135 of the ALPK1 protein (p.Leu1135Pro). This variant is present in population databases (rs763145916, gnomAD 0.0009%). This variant has not been reported in the literature in individuals affected with ALPK1-related conditions. An algorithm developed to predict the effect of missense changes on protein structure and function outputs the following: PolyPhen-2: "Possibly Damaging". The proline amino acid residue is found in multiple mammalian species, which suggests that this missense change does not adversely affect protein function. In summary, the available evidence is currently insufficient to determine the role of this variant in disease. Therefore, it has been classified as a Variant of Uncertain Significance.

NM_025144.4(ALPK1):c.3404T>C (p.Leu1135Pro)

Gene: ALPK1 (alpha kinase 1; plus strand). Cytogenetic location: 4q25.
Variant type: single nucleotide variant.
Coding change: c.3404T>C on transcript NM_025144.4 (MANE Select); coding-DNA position 3404, T replaced by C.
Protein change: p.Leu1135Pro; replaces leucine 1135 with proline.
Molecular consequence: missense variant.
Genome position (GRCh38, 1-based): chr4:112,439,738, T>C. VCF-style: chr4-112439738-T-C. GRCh37 (hg19) VCF-style: chr4-113360894-T-C.
Other names: c.3404T>C, p.Leu1135Pro (NM_001102406.2); c.3170T>C, p.Leu1057Pro (NM_001253884.2); short protein forms L1057P, L1135P.
Identifiers: ClinVar variation 3696055 (VCV003696055.2).